The following is an entry in ClinVar:

NM_020699.4(GATAD2B):c.567T>A (p.Ser189Arg)

Gene: GATAD2B (GATA zinc finger domain containing 2B; minus strand). Cytogenetic location: 1q21.3.
Variant type: single nucleotide variant.
Coding change: c.567T>A on transcript NM_020699.4 (MANE Select); coding-DNA position 567, T replaced by A.
Protein change: p.Ser189Arg; replaces serine 189 with arginine.
Molecular consequence: missense variant.
Genome position (GRCh38, 1-based): chr1:153,818,821, A>T on the plus strand (T>A on the coding strand, the complement: GATAD2B is on the minus strand). VCF-style: chr1-153818821-A-T. GRCh37 (hg19) VCF-style: chr1-153791297-A-T.
Other names: short protein forms S189R.
Identifiers: ClinVar variation 1364892 (VCV001364892.6), dbSNP rs2101882272, ClinGen allele CA342532664.

ClinVar aggregate classification (germline): Uncertain significance (1 of 4 stars; one submission).

Submission:

Labcorp Genetics (formerly Invitae), Labcorp
Classification: Uncertain significance. Last evaluated: 2022-11-01. Review status: criteria provided, single submitter. Criteria: Invitae Variant Classification Sherloc (09022015). Collection method: clinical testing. Allele origin: germline.
Comment: In summary, the available evidence is currently insufficient to determine the role of this variant in disease. Therefore, it has been classified as a Variant of Uncertain Significance. Advanced modeling of protein sequence and biophysical properties (such as structural, functional, and spatial information, amino acid conservation, physicochemical variation, residue mobility, and thermodynamic stability) performed at Invitae indicates that this missense variant is expected to disrupt GATAD2B protein function. ClinVar contains an entry for this variant (Variation ID: 1364892). This variant has not been reported in the literature in individuals affected with GATAD2B-related conditions. This variant is not present in population databases (gnomAD no frequency). This sequence change replaces serine with arginine at codon 189 of the GATAD2B protein (p.Ser189Arg). The serine residue is highly conserved and there is a moderate physicochemical difference between serine and arginine.